The following is an entry in ClinVar:

ClinVar aggregate classification (germline): Uncertain significance. Review status: criteria provided, multiple submitters, no conflicts (2 of 4 stars). 2 submissions from 2 submitters: Uncertain significance (2). Last evaluated 2025-10-29.

Conditions:
Immunodeficiency, common variable, 1. Also called: ANTIBODY DEFICIENCY DUE TO ICOS DEFECT. Identifiers: Orphanet 1572, Orphanet 695183, MedGen C3149378, MONDO:0011864, OMIM 607594.

Allele frequency attached by ClinVar (database versions not stated): TOPMed below 0.00001; ExAC 0.00002; gnomAD exomes 0.00002.
gnomAD v4.1: 33 of 1,604,580 alleles (0.0021%); highest among the groups gnomAD compares: South Asian, 0.0055%; no homozygotes.

Submissions (2):

Labcorp Genetics (formerly Invitae), Labcorp
Classification: Uncertain significance for Immunodeficiency, common variable, 1. Last evaluated: 2025-10-29. Review status: criteria provided, single submitter. Criteria: Invitae Variant Classification Sherloc (09022015). Collection method: clinical testing. Allele origin: germline.
Comment: This sequence change falls in intron 1 of the ICOS gene. It does not directly change the encoded amino acid sequence of the ICOS protein. It affects a nucleotide within the consensus splice site. This variant is present in population databases (rs764098873, gnomAD 0.01%). This variant has not been reported in the literature in individuals affected with ICOS-related conditions. ClinVar contains an entry for this variant (Variation ID: 1410123). Variants that disrupt the consensus splice site are a relatively common cause of aberrant splicing (PMID: 17576681, 9536098). Algorithms developed to predict the effect of sequence changes on RNA splicing suggest that this variant is not likely to affect RNA splicing. In summary, the available evidence is currently insufficient to determine the role of this variant in disease. Therefore, it has been classified as a Variant of Uncertain Significance.

CeGaT Center for Human Genetics Tuebingen
Classification: Uncertain significance. Last evaluated: 2023-01-01. Review status: criteria provided, single submitter. Criteria: CeGaT Center For Human Genetics Tuebingen Variant Classification Criteria Version 2. Collection method: clinical testing. Allele origin: germline. Affected: yes. Observed: 1 variant allele.
Comment: ICOS: PM2, BP4

Literature cited by the submitters: PubMed 17576681 (cited by Labcorp Genetics (formerly Invitae), Labcorp); PubMed 9536098 (cited by Labcorp Genetics (formerly Invitae), Labcorp).

NM_012092.4(ICOS):c.59-3C>T

Gene: ICOS (inducible T cell costimulator; plus strand). Cytogenetic location: 2q33.2.
Variant type: single nucleotide variant.
Coding change: c.59-3C>T on transcript NM_012092.4 (MANE Select); 3 bases into the intron before coding-DNA position 59, C replaced by T.
Molecular consequence: intron variant.
Genome position (GRCh38, 1-based): chr2:203,955,633, C>T. VCF-style: chr2-203955633-C-T. GRCh37 (hg19) VCF-style: chr2-204820356-C-T.
Identifiers: ClinVar variation 1410123 (VCV001410123.31), dbSNP rs764098873, ClinGen allele CA2067215.